The following is an entry in ClinVar:

NM_198525.3(KIF7):c.2271C>T (p.Ala757=)

Gene: KIF7 (kinesin family member 7; minus strand). Cytogenetic location: 15q26.1.
Variant type: single nucleotide variant.
Coding change: c.2271C>T on transcript NM_198525.3 (MANE Select); coding-DNA position 2271, C replaced by T.
Protein change: p.Ala757=; no amino-acid change (alanine 757 retained).
Molecular consequence: synonymous variant.
Genome position (GRCh38, 1-based): chr15:89,642,326, G>A on the plus strand (C>T on the coding strand, the complement: KIF7 is on the minus strand). VCF-style: chr15-89642326-G-A. GRCh37 (hg19) VCF-style: chr15-90185557-G-A.
Identifiers: ClinVar variation 129411 (VCV000129411.25), dbSNP rs35451920, ClinGen allele CA020263.
Genomic context (GRCh38, chr15:89,642,326, plus strand): 5'-AGCATCCTGGAGCTCCTTGCCCTCGAGCTCCCGCAGCTGCCTCTGGCCTTCACTCAGCTC[G>A]GCCCGCACCTGCTCTGCCTCCTGCTCCAGCTCCCGGATACGCTGGCTGTGCTGGCGGTTC-3'
Protein context (NP_940927.2, residues 747-767): ELEQEAEQVR[Ala757=]ELSEGQRQLR

ClinVar aggregate classification (germline): Benign. Review status: criteria provided, multiple submitters, no conflicts (2 of 4 stars). 7 submissions from 7 submitters: Benign (6). 1 of the submissions does not count toward it. Last evaluated 2026-02-01.

Conditions:
Acrocallosal syndrome (ACLS). Also called: HALLUX DUPLICATION, POSTAXIAL POLYDACTYLY, AND ABSENCE OF CORPUS CALLOSUM; Schinzel syndrome 1; Absence of corpus callosum with unusual facial appearance, mental deficiency, duplication of the halluces and polydactyly. Identifiers: Orphanet 36, MedGen C0796147, MONDO:0008708, OMIM 200990.

Allele frequency attached by ClinVar (database versions not stated): gnomAD exomes 0.00080 and 0.00210; ExAC 0.00314; gnomAD 0.00850 and 0.00897; TOPMed 0.00934; ESP Exome Variant Server 0.00970; 1000 Genomes Project 0.01118; 1000 Genomes Project 30x 0.01187.
gnomAD v4.1: 2,533 of 1,610,644 alleles (0.16%); highest among the groups gnomAD compares: African/African-American, 2.8%; 35 homozygotes.

Submissions (7):

Labcorp Genetics (formerly Invitae), Labcorp
Classification: Benign for Acrocallosal syndrome. Last evaluated: 2026-02-01. Review status: criteria provided, single submitter. Criteria: Invitae Variant Classification Sherloc (09022015). Collection method: clinical testing. Allele origin: germline.

Illumina Laboratory Services, Illumina
Classification: Benign for Acrocallosal syndrome. Last evaluated: 2018-01-13. Review status: criteria provided, single submitter. Criteria: ICSL Variant Classification Criteria 13 December 2019. Collection method: clinical testing. Allele origin: germline.
Comment: This variant was observed in the ICSL laboratory as part of a predisposition screen in an ostensibly healthy population. It had not been previously curated by ICSL or reported in the Human Gene Mutation Database (HGMD: prior to June 1st, 2018), and was therefore a candidate for classification through an automated scoring system. Utilizing variant allele frequency, disease prevalence and penetrance estimates, and inheritance mode, an automated score was calculated to assess if this variant is too frequent to cause the disease. Based on the score and internal cut-off values, a variant classified as benign is not then subjected to further curation. The score for this variant resulted in a classification of benign for this disease.

GeneDx
Classification: Benign. Last evaluated: 2016-04-20. Review status: criteria provided, single submitter. Criteria: GeneDx Variant Classification (06012015). Collection method: clinical testing. Allele origin: germline. Affected: yes.
Comment: This variant is considered likely benign or benign based on one or more of the following criteria: it is a conservative change, it occurs at a poorly conserved position in the protein, it is predicted to be benign by multiple in silico algorithms, and/or has population frequency not consistent with disease.

Eurofins Ntd Llc (ga)
Classification: Benign. Last evaluated: 2015-08-12. Review status: criteria provided, single submitter. Criteria: EGL Classification Definitions 2015. Collection method: clinical testing. Allele origin: germline. Observed: 1 variant allele, 1 heterozygote.

Breakthrough Genomics
Classification: Benign. Review status: criteria provided, single submitter. Criteria: ACMG Guidelines, 2015. Collection method: not provided. Allele origin: germline. Inheritance: Autosomal recessive inheritance. Affected: yes.

PreventionGenetics, part of Exact Sciences
Classification: Benign. Review status: criteria provided, single submitter. Criteria: ACMG Guidelines, 2015. Collection method: clinical testing. Allele origin: germline.

Genetic Services Laboratory, University of Chicago
Classification: Likely benign for AllHighlyPenetrant. Review status: no assertion criteria provided. Collection method: clinical testing. Allele origin: germline. Inheritance: Autosomal recessive inheritance. Not counted in ClinVar's aggregate classification.
Comment: Likely benign based on allele frequency in 1000 Genomes Project or ESP global frequency and its presence in a patient with a rare or unrelated disease phenotype. NOT Sanger confirmed.